The following is an entry in ClinVar:

NM_018834.6(MATR3):c.152G>A (p.Arg51His)

Gene: MATR3 (matrin 3; plus strand). Cytogenetic location: 5q31.2.
Variant type: single nucleotide variant.
Coding change: c.152G>A on transcript NM_018834.6 (MANE Select); coding-DNA position 152, G replaced by A.
Protein change: p.Arg51His; replaces arginine 51 with histidine.
Molecular consequence: missense variant. On other transcripts: intron variant (11).
Genome position (GRCh38, 1-based): chr5:139,307,567, G>A. VCF-style: chr5-139307567-G-A. GRCh37 (hg19) VCF-style: chr5-138643256-G-A.
Other names: c.152G>A, p.Arg51His (NM_001194954.2, NM_001194955.2, NM_001400441.1 and 16 more transcripts); c.52-7108G>A (NM_001400459.1); c.-102-7108G>A (NM_001400463.1, NM_001400460.1, NM_001282278.2 and 3 more transcripts); c.-40-8130G>A (NM_001400462.1, NM_001400467.1); c.13-7108G>A (NM_001400461.1); c.49-7108G>A (NM_001194956.2); short protein forms R51H.
Identifiers: ClinVar variation 3701786 (VCV003701786.2).

ClinVar aggregate classification (germline): Uncertain significance (1 of 4 stars; one submission).

Conditions:
Amyotrophic lateral sclerosis type 21. Also called: MYOPATHY, DISTAL, 2; VOCAL CORD AND PHARYNGEAL DYSFUNCTION WITH DISTAL MYOPATHY. Identifiers: Orphanet 600, Orphanet 803, MedGen C3807521, MONDO:0011632, OMIM 606070.

gnomAD v4.1: 1 of 1,614,068 alleles (0.000062%); highest among the groups gnomAD compares: South Asian, 0.0011%; no homozygotes.

Submission:

Labcorp Genetics (formerly Invitae), Labcorp
Classification: Uncertain significance for Amyotrophic lateral sclerosis type 21. Last evaluated: 2024-05-13. Review status: criteria provided, single submitter. Criteria: Invitae Variant Classification Sherloc (09022015). Collection method: clinical testing. Allele origin: germline.
Comment: This sequence change replaces arginine, which is basic and polar, with histidine, which is basic and polar, at codon 51 of the MATR3 protein (p.Arg51His). This variant is not present in population databases (gnomAD no frequency). This variant has not been reported in the literature in individuals affected with MATR3-related conditions. Advanced modeling of protein sequence and biophysical properties (such as structural, functional, and spatial information, amino acid conservation, physicochemical variation, residue mobility, and thermodynamic stability) performed at Invitae indicates that this missense variant is expected to disrupt MATR3 protein function with a positive predictive value of 80%. In summary, the available evidence is currently insufficient to determine the role of this variant in disease. Therefore, it has been classified as a Variant of Uncertain Significance.